The following is an entry in ClinVar:

NM_006734.4(HIVEP2):c.6135T>C (p.His2045=)

Gene: HIVEP2 (HIVEP zinc finger 2; minus strand). Cytogenetic location: 6q24.2.
Variant type: single nucleotide variant.
Coding change: c.6135T>C on transcript NM_006734.4 (MANE Select); coding-DNA position 6135, T replaced by C.
Protein change: p.His2045=; no amino-acid change (histidine 2045 retained).
Molecular consequence: synonymous variant.
Genome position (GRCh38, 1-based): chr6:142,760,153, A>G on the plus strand (T>C on the coding strand, the complement: HIVEP2 is on the minus strand). VCF-style: chr6-142760153-A-G. GRCh37 (hg19) VCF-style: chr6-143081290-A-G.
Identifiers: ClinVar variation 3057579 (VCV003057579.3), dbSNP rs1299966858, ClinGen allele CA452710803.

ClinVar aggregate classification (germline): Benign. Review status: criteria provided, single submitter (1 of 4 stars). 2 submissions from 2 submitters: Benign (1). 1 of the submissions does not count toward it. Last evaluated 2025-02-09.

Conditions:
HIVEP2-related disorder. Also called: HIVEP2-related condition.

Allele frequency attached by ClinVar (database versions not stated): gnomAD exomes below 0.00001; TOPMed below 0.00001; gnomAD 0.00001.
gnomAD v4.1: 4 of 1,614,034 alleles (0.00025%); highest among the groups gnomAD compares: African/African-American, 0.0013%; no homozygotes.

Submissions (2):

Labcorp Genetics (formerly Invitae), Labcorp
Classification: Benign. Last evaluated: 2025-02-09. Review status: criteria provided, single submitter. Criteria: Invitae Variant Classification Sherloc (09022015). Collection method: clinical testing. Allele origin: germline.

PreventionGenetics, part of Exact Sciences
Classification: Likely benign for HIVEP2-related condition. Last evaluated: 2019-03-06. Review status: no assertion criteria provided. Collection method: clinical testing. Allele origin: germline. Not counted in ClinVar's aggregate classification.
Comment: This variant is classified as likely benign based on ACMG/AMP sequence variant interpretation guidelines (Richards et al. 2015 PMID: 25741868, with internal and published modifications).